The following is an entry in ClinVar:

ClinVar aggregate classification (germline): Conflicting classifications of pathogenicity. Review status: criteria provided, conflicting classifications (1 of 4 stars). 4 submissions from 4 submitters: Uncertain significance (3); Benign (1). Last evaluated 2026-07-23.

Conditions:
Familial thoracic aortic aneurysm and aortic dissection (TAAD). Also called: Thoracic aortic aneurysms and dissections. Identifiers: Orphanet 91387, MedGen C4707243, MONDO:0019625.
Fibromuscular dysplasia, multifocal. Identifiers: MedGen C5543412, MONDO:0859151, OMIM 619329.
Ehlers-Danlos syndrome, classic type, 1 (EDSCL1). Also called: Ehlers-Danlos syndrome, type 1; EDS I; EHLERS-DANLOS SYNDROME, GRAVIS TYPE; EHLERS-DANLOS SYNDROME, SEVERE CLASSIC TYPE; Ehlers-Danlos Syndrome, Classic Type, COL5A1-Related. Identifiers: MedGen C0268335, MONDO:0019567, OMIM 130000.

gnomAD v4.1: 21 of 1,614,120 alleles (0.0013%); highest among the groups gnomAD compares: East Asian, 0.0089%; no homozygotes.

Submissions (4):

Ambry Genetics
Classification: Uncertain significance for Familial thoracic aortic aneurysm and aortic dissection. Last evaluated: 2026-07-23. Review status: criteria provided, single submitter. Criteria: Ambry Variant Classification Scheme 2023. Collection method: clinical testing. Allele origin: germline.
Comment: The p.E1599K variant (also known as c.4795G>A), located in coding exon 62 of the COL5A1 gene, results from a G to A substitution at nucleotide position 4795. The glutamic acid at codon 1599 is replaced by lysine, an amino acid with similar properties. This amino acid position is not well conserved in available vertebrate species. In addition, the in silico prediction for this alteration is inconclusive. Based on the available evidence, the clinical significance of this variant remains unclear.

Labcorp Genetics (formerly Invitae), Labcorp
Classification: Benign for Ehlers-Danlos syndrome, classic type, 1. Last evaluated: 2026-01-14. Review status: criteria provided, single submitter. Criteria: Invitae Variant Classification Sherloc (09022015). Collection method: clinical testing. Allele origin: germline.

GeneDx
Classification: Uncertain significance. Last evaluated: 2025-10-09. Review status: criteria provided, single submitter. Criteria: GeneDx Variant Classification Process June 2021. Collection method: clinical testing. Allele origin: germline. Affected: yes.
Comment: Has not been previously published as pathogenic or benign to our knowledge; Not observed at significant frequency in large population cohorts (gnomAD); Not located in the triple helical region, where the majority of pathogenic missense variants occur (PMID: 22696272; HGMD); In silico analysis suggests that this missense variant does not alter protein structure/function; This variant is associated with the following publications: (PMID: 22696272)

Fulgent Genetics
Classification: Uncertain significance for Ehlers-Danlos syndrome, classic type, 1; Fibromuscular dysplasia, multifocal. Last evaluated: 2021-10-07. Review status: criteria provided, single submitter. Criteria: ACMG Guidelines, 2015. Collection method: clinical testing. Allele origin: unknown.

NM_000093.5(COL5A1):c.4795G>A (p.Glu1599Lys)

Genes: COL5A1 (collagen type V alpha 1 chain; plus strand), LOC101448202 (uncharacterized LOC101448202; minus strand). Cytogenetic location: 9q34.3.
Variant type: single nucleotide variant.
Coding change: c.4795G>A on transcript NM_000093.5 (MANE Select); coding-DNA position 4795, G replaced by A.
Protein change: p.Glu1599Lys; replaces glutamic acid 1599 with lysine.
Molecular consequence: missense variant.
Genome position (GRCh38, 1-based): chr9:134,824,696, G>A. VCF-style: chr9-134824696-G-A. GRCh37 (hg19) VCF-style: chr9-137716542-G-A.
Other names: c.4795G>A, p.Glu1599Lys (NM_001278074.1); short protein forms E1599K.
Identifiers: ClinVar variation 1000461 (VCV001000461.14), dbSNP rs149212775, ClinGen allele CA5320478.